The following is an entry in ClinVar:

NM_001130004.2(ACTN1):c.1895G>A (p.Arg632His)

Gene: ACTN1 (actinin alpha 1; minus strand). Cytogenetic location: 14q24.1.
Variant type: single nucleotide variant.
Coding change: c.1895G>A on transcript NM_001130004.2 (MANE Select); coding-DNA position 1895, G replaced by A.
Protein change: p.Arg632His; replaces arginine 632 with histidine.
Molecular consequence: missense variant.
Genome position (GRCh38, 1-based): chr14:68,882,516, C>T on the plus strand (G>A on the coding strand, the complement: ACTN1 is on the minus strand). VCF-style: chr14-68882516-C-T. GRCh37 (hg19) VCF-style: chr14-69349233-C-T.
Other names: c.1895G>A, p.Arg632His (NM_001102.4, NM_001130005.2, NM_001424012.1 and 2 more transcripts); c.1919G>A, p.Arg640His (NM_001411035.1, NM_001424016.1); c.1700G>A, p.Arg567His (NM_001411036.1, NM_001424026.1, NM_001424028.1); c.2021G>A, p.Arg674His (NM_001424013.1); c.1982G>A, p.Arg661His (NM_001424015.1); c.1892G>A, p.Arg631His (NM_001424017.1); c.1856G>A, p.Arg619His (NM_001424018.1); c.1712G>A, p.Arg571His (NM_001424019.1, NM_001424024.1, NM_001424025.1 and 2 more transcripts); and 3 more; short protein forms R567H, R619H, R632H, R611H, R661H, R674H, R357H, R571H.
Identifiers: ClinVar variation 4998089 (VCV004998089.1).

ClinVar aggregate classification (germline): Uncertain significance (1 of 4 stars; one submission).

Conditions:
ACTN1-related disorder. Also called: ACTN1-related condition.

gnomAD v4.1: 1 of 1,614,136 alleles (0.000062%); highest among the groups gnomAD compares: Non-Finnish European, 0.000085%; no homozygotes.

Submission:

PreventionGenetics, part of Exact Sciences
Classification: Uncertain significance for ACTN1-related condition. Last evaluated: 2025-07-31. Review status: criteria provided, single submitter. Criteria: ACMG Guidelines, 2015. Collection method: clinical testing. Allele origin: germline.
Comment: The ACTN1 c.1895G>A variant is predicted to result in the amino acid substitution p.Arg632His. To our knowledge, this variant has not been reported in the literature or in a large population database (gnomAD), indicating this variant is rare. At this time, the clinical significance of this variant is uncertain due to the absence of conclusive functional and genetic evidence.